The following is an entry in ClinVar:

NM_000057.4(BLM):c.3874+1G>A

Gene: BLM (BLM RecQ like helicase; plus strand). Cytogenetic location: 15q26.1.
Variant type: single nucleotide variant.
Coding change: c.3874+1G>A on transcript NM_000057.4 (MANE Select); the canonical splice donor site of the intron after coding-DNA position 3874, G replaced by A.
Molecular consequence: splice donor variant.
Genome position (GRCh38, 1-based): chr15:90,809,260, G>A. VCF-style: chr15-90809260-G-A. GRCh37 (hg19) VCF-style: chr15-91352490-G-A.
Other names: c.3874+1G>A (NM_001287246.2); c.2749+1G>A (NM_001287248.2); c.3481+1G>A (NM_001287247.2).
Identifiers: ClinVar variation 2029279 (VCV002029279.4), dbSNP rs2151198423, ClinGen allele CA393849850.

ClinVar aggregate classification (germline): Likely pathogenic (1 of 4 stars; one submission).

Conditions:
Bloom syndrome (BLM). Also called: Bloom-Torre-Machacek syndrome. Identifiers: Orphanet 125, MedGen C0005859, MONDO:0008876, OMIM 210900.

Submission:

Labcorp Genetics (formerly Invitae), Labcorp
Classification: Likely pathogenic for Bloom syndrome. Last evaluated: 2024-09-23. Review status: criteria provided, single submitter. Criteria: Invitae Variant Classification Sherloc (09022015). Collection method: clinical testing. Allele origin: germline.
Comment: This sequence change affects a donor splice site in intron 20 of the BLM gene. It is expected to disrupt RNA splicing. Variants that disrupt the donor or acceptor splice site typically lead to a loss of protein function (PMID: 16199547), and loss-of-function variants in BLM are known to be pathogenic (PMID: 17407155). This variant is not present in population databases (gnomAD no frequency). This variant has not been reported in the literature in individuals affected with BLM-related conditions. ClinVar contains an entry for this variant (Variation ID: 2029279). Algorithms developed to predict the effect of sequence changes on RNA splicing suggest that this variant may disrupt the consensus splice site. In summary, the currently available evidence indicates that the variant is pathogenic, but additional data are needed to prove that conclusively. Therefore, this variant has been classified as Likely Pathogenic.

Literature cited by the submitters: PubMed 16199547; PubMed 17407155.